The following is an entry in ClinVar:

ClinVar aggregate classification (germline): Benign (0 of 4 stars; one submission).

Conditions:
PPP2R3A-related disorder. Also called: PPP2R3A-related condition.

Allele frequency attached by ClinVar (database versions not stated): gnomAD exomes 0.00139; ExAC 0.00389; gnomAD 0.01097; TOPMed 0.01182; ESP Exome Variant Server 0.01223; 1000 Genomes Project 0.01258; 1000 Genomes Project 30x 0.01265.
gnomAD v4.1: 3,730 of 1,614,080 alleles (0.23%); highest among the groups gnomAD compares: African/African-American, 3.7%; 46 homozygotes.

Submission:

PreventionGenetics, part of Exact Sciences
Classification: Benign for PPP2R3A-related condition. Last evaluated: 2019-09-25. Review status: no assertion criteria provided. Collection method: clinical testing. Allele origin: germline.
Comment: This variant is classified as benign based on ACMG/AMP sequence variant interpretation guidelines (Richards et al. 2015 PMID: 25741868, with internal and published modifications).

NM_002718.5(PPP2R3A):c.199G>A (p.Asp67Asn)

Gene: PPP2R3A (protein phosphatase 2 regulatory subunit B''alpha; plus strand). Cytogenetic location: 3q22.3.
Variant type: single nucleotide variant.
Coding change: c.199G>A on transcript NM_002718.5 (MANE Select); coding-DNA position 199, G replaced by A.
Protein change: p.Asp67Asn; replaces aspartic acid 67 with asparagine.
Molecular consequence: missense variant. On other transcripts: intron variant (1).
Genome position (GRCh38, 1-based): chr3:136,001,697, G>A. VCF-style: chr3-136001697-G-A. GRCh37 (hg19) VCF-style: chr3-135720539-G-A.
Other names: c.-213-25135G>A (NM_001190447.2); short protein forms D67N.
Identifiers: ClinVar variation 3038062 (VCV003038062.2), dbSNP rs57374999, ClinGen allele CA2630360.